The following is an entry in ClinVar:

NM_015374.3(SUN2):c.1238G>A (p.Arg413Gln)

Genes: GTPBP1 (GTP binding protein 1; plus strand), SUN2 (Sad1 and UNC84 domain containing 2; minus strand). Cytogenetic location: 22q13.1.
Variant type: single nucleotide variant.
Coding change: c.1238G>A on transcript NM_015374.3 (MANE Select); coding-DNA position 1238, G replaced by A.
Protein change: p.Arg413Gln; replaces arginine 413 with glutamine.
Molecular consequence: missense variant.
Genome position (GRCh38, 1-based): chr22:38,740,385, C>T on the plus strand (G>A on the coding strand, the complement: SUN2 is on the minus strand). VCF-style: chr22-38740385-C-T. GRCh37 (hg19) VCF-style: chr22-39136390-C-T.
Other names: c.1301G>A, p.Arg434Gln (NM_001199579.2); c.1238G>A, p.Arg413Gln (NM_001199580.2); short protein forms R413Q, R434Q.
Identifiers: ClinVar variation 665284 (VCV000665284.6), dbSNP rs748611243, ClinGen allele CA324300409.

ClinVar aggregate classification (germline): Uncertain significance (1 of 4 stars; one submission).

Conditions:
Emery-Dreifuss muscular dystrophy (EDMD). Also called: Scapuloperoneal syndrome, X-linked (formerly); Humeroperoneal neuromuscular disease, (formerly). Identifiers: Orphanet 261, MedGen C0410189, MONDO:0016830.

Allele frequency attached by ClinVar (database versions not stated): TOPMed below 0.00001; gnomAD exomes 0.00002.
gnomAD v4.1: 30 of 1,573,258 alleles (0.0019%); highest among the groups gnomAD compares: Non-Finnish European, 0.0023%; no homozygotes.

Submission:

Labcorp Genetics (formerly Invitae), Labcorp
Classification: Uncertain significance for Emery-Dreifuss muscular dystrophy. Last evaluated: 2022-08-09. Review status: criteria provided, single submitter. Criteria: Invitae Variant Classification Sherloc (09022015). Collection method: clinical testing. Allele origin: germline.
Comment: In summary, the available evidence is currently insufficient to determine the role of this variant in disease. Therefore, it has been classified as a Variant of Uncertain Significance. Algorithms developed to predict the effect of missense changes on protein structure and function output the following: SIFT: "Tolerated"; PolyPhen-2: "Benign"; Align-GVGD: "Class C0". The glutamine amino acid residue is found in multiple mammalian species, which suggests that this missense change does not adversely affect protein function. ClinVar contains an entry for this variant (Variation ID: 665284). This variant has not been reported in the literature in individuals affected with SUN2-related conditions. The frequency data for this variant in the population databases is considered unreliable, as metrics indicate poor data quality at this position in the gnomAD database. This sequence change replaces arginine, which is basic and polar, with glutamine, which is neutral and polar, at codon 413 of the SUN2 protein (p.Arg413Gln).